The following is an entry in ClinVar:

ClinVar aggregate classification (germline): Uncertain significance (1 of 4 stars; one submission).

Conditions:
Ulnar-mammary syndrome (UMS). Also called: SCHINZEL SYNDROME; PALLISTER ULNAR-MAMMARY SYNDROME; Ulnar-mammary syndrome of Pallister. Identifiers: Orphanet 3138, MedGen C1866994, MONDO:0008411, OMIM 181450.

Submission:

Labcorp Genetics (formerly Invitae), Labcorp
Classification: Uncertain significance for Ulnar-mammary syndrome. Last evaluated: 2022-04-15. Review status: criteria provided, single submitter. Criteria: Invitae Variant Classification Sherloc (09022015). Collection method: clinical testing. Allele origin: germline.
Comment: In summary, the available evidence is currently insufficient to determine the role of this variant in disease. Therefore, it has been classified as a Variant of Uncertain Significance. Algorithms developed to predict the effect of missense changes on protein structure and function are either unavailable or do not agree on the potential impact of this missense change (SIFT: "Deleterious"; PolyPhen-2: "Probably Damaging"; Align-GVGD: "Class C0"). This variant has not been reported in the literature in individuals affected with TBX3-related conditions. This variant is not present in population databases (gnomAD no frequency). This sequence change replaces arginine, which is basic and polar, with glutamine, which is neutral and polar, at codon 24 of the TBX3 protein (p.Arg24Gln).

NM_005996.4(TBX3):c.71G>A (p.Arg24Gln)

Genes: TBX3 (T-box transcription factor 3; minus strand), TBX3-AS1 (TBX3 antisense RNA 1; plus strand). Cytogenetic location: 12q24.21.
Variant type: single nucleotide variant.
Coding change: c.71G>A on transcript NM_005996.4 (MANE Select); coding-DNA position 71, G replaced by A.
Protein change: p.Arg24Gln; replaces arginine 24 with glutamine.
Molecular consequence: missense variant.
Genome position (GRCh38, 1-based): chr12:114,683,130, C>T on the plus strand (G>A on the coding strand, the complement: TBX3 is on the minus strand). VCF-style: chr12-114683130-C-T. GRCh37 (hg19) VCF-style: chr12-115120935-C-T.
Other names: c.71G>A, p.Arg24Gln (NM_016569.4); short protein forms R24Q.
Identifiers: ClinVar variation 2126417 (VCV002126417.4), dbSNP rs1414698447, ClinGen allele CA386873446.
Genomic context (GRCh38, chr12:114,683,130, plus strand): 5'-AGCGCGGGGAAGAACGGCGGCTGGTGACCCAGCACCGCGCTCATGGCGAAGTCCGGCGCC[C>T]GGTGAGGTAGGAACGGATGGTAGGCCATGCTTGTCCCAGGAATGACCGGATCTCTCATGG-3'
Protein context (NP_005987.3, residues 14-34): SMAYHPFLPH[Arg24Gln]APDFAMSAVL